The following is an entry in ClinVar:

ClinVar aggregate classification (germline): Pathogenic (1 of 4 stars; one submission).

Conditions:
Alagille syndrome due to a JAG1 point mutation. Also called: HEPATIC DUCTULAR HYPOPLASIA, SYNDROMATIC; JAG1-Related Alagille Syndrome; Alagille Syndrome 1. Identifiers: Orphanet 261619, Orphanet 52, MedGen C1956125, MONDO:0016862, OMIM 118450.

Submission:

Labcorp Genetics (formerly Invitae), Labcorp
Classification: Pathogenic for Alagille syndrome due to a JAG1 point mutation. Last evaluated: 2020-08-25. Review status: criteria provided, single submitter. Criteria: Invitae Variant Classification Sherloc (09022015). Collection method: clinical testing. Allele origin: germline.
Comment: This sequence change creates a premature translational stop signal (p.Gly368Argfs*9) in the JAG1 gene. It is expected to result in an absent or disrupted protein product. This variant is not present in population databases (ExAC no frequency). This variant has not been reported in the literature in individuals with JAG1-related conditions. Loss-of-function variants in JAG1 are known to be pathogenic (PMID: 11180599). For these reasons, this variant has been classified as Pathogenic.

Literature cited by the submitters: PubMed 11180599.

NM_000214.3(JAG1):c.1101dup (p.Gly368fs)

Gene: JAG1 (jagged canonical Notch ligand 1; minus strand). Cytogenetic location: 20p12.2.
Variant type: Duplication.
Coding change: c.1101dup on transcript NM_000214.3 (MANE Select); coding-DNA position 1101, one base duplicated (C; older notation c.1101dupC).
Protein change: p.Gly368fs; shifts the reading frame from glycine 368.
Molecular consequence: frameshift variant.
Genome position (GRCh38, 1-based): chr20:10,651,600, G duplicated on the plus strand (C on the coding strand, the reverse complement: JAG1 is on the minus strand); the first of 2 consecutive G bases (chr20:10,651,600-10,651,601); duplicating either gives the same sequence. VCF-style (leftmost placement, unchanged base first): chr20-10651599-C-CG. GRCh37 (hg19) VCF-style: chr20-10632247-C-CG.
Other names: short protein forms G368fs.
Identifiers: ClinVar variation 1073270 (VCV001073270.7), dbSNP rs2122613554, ClinGen allele CA2499225675.